The following is an entry in ClinVar:

ClinVar aggregate classification (germline): Uncertain significance (1 of 4 stars; one submission).

Conditions:
Hereditary diffuse gastric adenocarcinoma (HDGC). Also called: DIFFUSE GASTRIC AND LOBULAR BREAST CANCER SYNDROME. Identifiers: Orphanet 26106, MedGen C1708349, MONDO:0007648, OMIM 137215.

Allele frequency attached by ClinVar (database versions not stated): gnomAD exomes below 0.00001.
gnomAD v4.1: 1 of 1,614,104 alleles (0.000062%); highest among the groups gnomAD compares: South Asian, 0.0011%; no homozygotes.

Submission:

European Reference Network on Genetic Tumour Risk Syndromes (ERN-GENTURIS), i3s - Instituto de Investigação e Inovação em Saúde, University of Porto
Classification: Uncertain significance for Hereditary diffuse gastric adenocarcinoma. Last evaluated: 2022-08-01. Review status: criteria provided, single submitter. Criteria: Lee et al. (Hum Mutat. 2018). Collection method: clinical testing. Allele origin: germline. Inheritance: Autosomal dominant inheritance. Affected: no. Study: ERN GENTURIS.
Comment: PM2 (PMID: 30311375)

Literature cited by the submitters: PubMed 36436516.

NM_004360.5(CDH1):c.1624A>G (p.Ile542Val)

Gene: CDH1 (cadherin 1; plus strand). Cytogenetic location: 16q22.1.
Variant type: single nucleotide variant.
Coding change: c.1624A>G on transcript NM_004360.5 (MANE Select); coding-DNA position 1624, A replaced by G.
Protein change: p.Ile542Val; replaces isoleucine 542 with valine.
Molecular consequence: missense variant. On other transcripts: intron variant (1).
Genome position (GRCh38, 1-based): chr16:68,819,338, A>G. VCF-style: chr16-68819338-A-G. GRCh37 (hg19) VCF-style: chr16-68853241-A-G.
Other names: c.1441A>G, p.Ile481Val (NM_001317184.2); c.76A>G, p.Ile26Val (NM_001317185.2); c.-254-2663A>G (NM_001317186.2); short protein forms I26V, I481V, I542V.
Identifiers: ClinVar variation 2502967 (VCV002502967.1), dbSNP rs2152136854, ClinGen allele CA396465115.